The following is an entry in ClinVar:

ClinVar aggregate classification (germline): Likely pathogenic (1 of 4 stars; one submission).

Conditions:
Junctional epidermolysis bullosa. Identifiers: Orphanet 305, MedGen C0079301, MONDO:0017612.

Submission:

Myriad Genetics, Inc.
Classification: Likely pathogenic for Junctional epidermolysis bullosa. Last evaluated: 2022-02-17. Review status: criteria provided, single submitter. Criteria: Myriad Autosomal Dominant, Autosomal Recessive and X-Linked Classification Criteria (2023). Collection method: clinical testing. Allele origin: unknown.
Comment: NM_000228.2(LAMB3):c.2089_2100del12ins1(Q697Rfs*4) is expected to be pathogenic in the context of junctional epidermolysis bullosa, LAMB3-related. This variant is predicted to lead to an abnormal or absent protein product due to the creation of a premature termination codon in LAMB3, a gene where loss-of-function variants are known to be pathogenic. Please note: this variant was assessed in the context of healthy population screening.

NM_000228.3(LAMB3):c.2089_2100delinsA (p.Gln697fs)

Gene: LAMB3 (laminin subunit beta 3; minus strand). Cytogenetic location: 1q32.2.
Variant type: Indel.
Coding change: c.2089_2100delinsA on transcript NM_000228.3 (MANE Select); coding-DNA positions 2089 to 2100, CAGAGGAAGAGG replaced by A.
Protein change: p.Gln697fs; shifts the reading frame from glutamine 697.
Molecular consequence: frameshift variant.
Genome position (GRCh38, 1-based): chr1:209,623,877-209,623,888, CCTCTTCCTCTG replaced by T on the plus strand (CAGAGGAAGAGG replaced by A on the coding strand, the reverse complement: LAMB3 is on the minus strand). VCF-style: chr1-209623877-CCTCTTCCTCTG-T. GRCh37 (hg19) VCF-style: chr1-209797222-CCTCTTCCTCTG-T.
Other names: c.2089_2100delinsA, p.Gln697fs (NM_001017402.2, NM_001127641.1); short protein forms Q697fs.
Identifiers: ClinVar variation 1724500 (VCV001724500.3), dbSNP rs2464801036, ClinGen allele CA2580061977.